The following is an entry in ClinVar:

NM_004369.4(COL6A3):c.3411C>G (p.Ile1137Met)

Gene: COL6A3 (collagen type VI alpha 3 chain; minus strand). Cytogenetic location: 2q37.3.
Variant type: single nucleotide variant.
Coding change: c.3411C>G on transcript NM_004369.4 (MANE Select); coding-DNA position 3411, C replaced by G.
Protein change: p.Ile1137Met; replaces isoleucine 1137 with methionine.
Molecular consequence: missense variant.
Genome position (GRCh38, 1-based): chr2:237,374,680, G>C on the plus strand (C>G on the coding strand, the complement: COL6A3 is on the minus strand). VCF-style: chr2-237374680-G-C. GRCh37 (hg19) VCF-style: chr2-238283323-G-C.
Other names: c.2190C>G, p.Ile730Met (NM_057164.5); c.2793C>G, p.Ile931Met (NM_057165.5, NM_057167.4); c.1590C>G, p.Ile530Met (NM_057166.5); short protein forms I530M, I730M, I1137M, I931M.
Identifiers: ClinVar variation 2711997 (VCV002711997.3), dbSNP rs368285658, ClinGen allele CA351203071.

ClinVar aggregate classification (germline): Uncertain significance (1 of 4 stars; one submission).

Conditions:
Bethlem myopathy 1A. Also called: MYOPATHY, BENIGN CONGENITAL, WITH CONTRACTURES; Bethlem myopathy 1; Bethlem Muscular Dystrophy. Identifiers: Orphanet 610, MedGen CN029274, MONDO:0024530, OMIM 158810.

Submission:

Labcorp Genetics (formerly Invitae), Labcorp
Classification: Uncertain significance for Bethlem myopathy 1A. Last evaluated: 2023-06-11. Review status: criteria provided, single submitter. Criteria: Invitae Variant Classification Sherloc (09022015). Collection method: clinical testing. Allele origin: germline.
Comment: This sequence change replaces isoleucine, which is neutral and non-polar, with methionine, which is neutral and non-polar, at codon 1137 of the COL6A3 protein (p.Ile1137Met). This variant is not present in population databases (gnomAD no frequency). This variant has not been reported in the literature in individuals affected with COL6A3-related conditions. Advanced modeling of protein sequence and biophysical properties (such as structural, functional, and spatial information, amino acid conservation, physicochemical variation, residue mobility, and thermodynamic stability) performed at Invitae indicates that this missense variant is expected to disrupt COL6A3 protein function. In summary, the available evidence is currently insufficient to determine the role of this variant in disease. Therefore, it has been classified as a Variant of Uncertain Significance.